The following is an entry in ClinVar:

NM_020631.6(PLEKHG5):c.148G>C (p.Gly50Arg)

Gene: PLEKHG5 (pleckstrin homology and RhoGEF domain containing G5; minus strand). Cytogenetic location: 1p36.31.
Variant type: single nucleotide variant.
Coding change: c.148G>C on transcript NM_020631.6 (MANE Select); coding-DNA position 148, G replaced by C.
Protein change: p.Gly50Arg; replaces glycine 50 with arginine.
Molecular consequence: missense variant.
Genome position (GRCh38, 1-based): chr1:6,475,932, C>G on the plus strand (G>C on the coding strand, the complement: PLEKHG5 is on the minus strand). VCF-style: chr1-6475932-C-G. GRCh37 (hg19) VCF-style: chr1-6535992-C-G.
Other names: c.259G>C, p.Gly87Arg (NM_001042663.3, NM_001265592.2); c.148G>C, p.Gly50Arg (NM_001042664.2, NM_001042665.2, NM_001265594.3 and 1 more transcripts); c.355G>C, p.Gly119Arg (NM_001265593.2); short protein forms G50R, G119R, G87R.
Identifiers: ClinVar variation 661133 (VCV000661133.8), dbSNP rs779791612, ClinGen allele CA561980.

ClinVar aggregate classification (germline): Uncertain significance. Review status: criteria provided, multiple submitters, no conflicts (2 of 4 stars). 3 submissions from 3 submitters: Uncertain significance (3). Last evaluated 2022-07-21.

Conditions:
Charcot-Marie-Tooth disease recessive intermediate C. Also called: CHARCOT-MARIE-TOOTH NEUROPATHY, RECESSIVE INTERMEDIATE C. Identifiers: Orphanet 369867, MedGen C3809309, MONDO:0014154, OMIM 615376.
Neuronopathy, distal hereditary motor, autosomal recessive 4. Also called: Autosomal recessive lower motor neuron disease with childhood onset; NEUROPATHY, DISTAL HEREDITARY MOTOR, AUTOSOMAL RECESSIVE 4. Identifiers: Orphanet 206580, MedGen C1970211, MONDO:0012608, OMIM 611067.

Allele frequency attached by ClinVar (database versions not stated): TOPMed below 0.00001; ExAC 0.00001; gnomAD exomes 0.00001.
gnomAD v4.1: 12 of 1,612,958 alleles (0.00074%); highest among the groups gnomAD compares: Admixed American, 0.005%; no homozygotes.

Submissions (3):

Labcorp Genetics (formerly Invitae), Labcorp
Classification: Uncertain significance for Neuronopathy, distal hereditary motor, autosomal recessive 4; Charcot-Marie-Tooth disease recessive intermediate C. Last evaluated: 2022-07-21. Review status: criteria provided, single submitter. Criteria: Invitae Variant Classification Sherloc (09022015). Collection method: clinical testing. Allele origin: germline.
Comment: This sequence change replaces glycine, which is neutral and non-polar, with arginine, which is basic and polar, at codon 50 of the PLEKHG5 protein (p.Gly50Arg). This variant is present in population databases (rs779791612, gnomAD 0.006%). This variant has not been reported in the literature in individuals affected with PLEKHG5-related conditions. ClinVar contains an entry for this variant (Variation ID: 661133). Algorithms developed to predict the effect of missense changes on protein structure and function are either unavailable or do not agree on the potential impact of this missense change (SIFT: "Deleterious"; PolyPhen-2: "Probably Damaging"; Align-GVGD: "Class C0"). In summary, the available evidence is currently insufficient to determine the role of this variant in disease. Therefore, it has been classified as a Variant of Uncertain Significance.

GeneDx
Classification: Uncertain significance. Last evaluated: 2019-07-01. Review status: criteria provided, single submitter. Criteria: GeneDx Variant Classification Process June 2021. Collection method: clinical testing. Allele origin: germline. Affected: yes.
Comment: Not observed at a significant frequency in large population cohorts (Lek et al., 2016); In silico analysis, which includes protein predictors and evolutionary conservation, supports that this variant does not alter protein structure/function; Has not been previously published as pathogenic or benign to our knowledge

Breakthrough Genomics
Classification: Uncertain significance. Review status: criteria provided, single submitter. Criteria: ACMG Guidelines, 2015. Collection method: not provided. Allele origin: germline. Inheritance: Autosomal recessive inheritance. Affected: yes.